The following is an entry in ClinVar:

NM_005026.5(PIK3CD):c.1333G>A (p.Val445Ile)

Genes: PIK3CD (phosphatidylinositol-4,5-bisphosphate 3-kinase catalytic subunit delta; plus strand), LOC126805612 (MED14-independent group 3 enhancer GRCh37_chr1:9778914-9780113; plus strand). Cytogenetic location: 1p36.22.
Variant type: single nucleotide variant.
Coding change: c.1333G>A on transcript NM_005026.5 (MANE Select); coding-DNA position 1333, G replaced by A.
Protein change: p.Val445Ile; replaces valine 445 with isoleucine.
Molecular consequence: missense variant.
Genome position (GRCh38, 1-based): chr1:9,720,011, G>A. VCF-style: chr1-9720011-G-A. GRCh37 (hg19) VCF-style: chr1-9780069-G-A.
Other names: c.1333G>A, p.Val445Ile (NM_001350234.2); c.1246G>A, p.Val416Ile (NM_001350235.1); short protein forms V416I, V445I.
Identifiers: ClinVar variation 1445160 (VCV001445160.6), dbSNP rs762320758, ClinGen allele CA577152.

ClinVar aggregate classification (germline): Uncertain significance (1 of 4 stars; one submission).

Conditions:
Immunodeficiency 14 (IMD14A). Also called: ACTIVATED PI3K-DELTA SYNDROME 1; Activated PI3K Delta Syndrome Type 1 (APDS1); p110-DELTA-ACTIVATING MUTATION CAUSING SENESCENT T CELLS, LYMPHADENOPATHY, AND IMMUNODEFICIENCY; IMMUNODEFICIENCY 14A WITH LYMPHOPROLIFERATION, AUTOSOMAL DOMINANT. Identifiers: Orphanet 397596, Orphanet 693661, MedGen C5907821, MONDO:0014222, OMIM 615513.

Allele frequency attached by ClinVar (database versions not stated): gnomAD exomes 0.00001 and below 0.00001; ExAC 0.00001.
gnomAD v4.1: 9 of 1,613,570 alleles (0.00056%); highest among the groups gnomAD compares: South Asian, 0.0011%; no homozygotes.

Submission:

Labcorp Genetics (formerly Invitae), Labcorp
Classification: Uncertain significance for Activated PI3K-delta syndrome. Last evaluated: 2024-01-29. Review status: criteria provided, single submitter. Criteria: Invitae Variant Classification Sherloc (09022015). Collection method: clinical testing. Allele origin: germline.
Comment: This sequence change replaces valine, which is neutral and non-polar, with isoleucine, which is neutral and non-polar, at codon 445 of the PIK3CD protein (p.Val445Ile). This variant is present in population databases (rs762320758, gnomAD 0.003%). This variant has not been reported in the literature in individuals affected with PIK3CD-related conditions. ClinVar contains an entry for this variant (Variation ID: 1445160). Advanced modeling of protein sequence and biophysical properties (such as structural, functional, and spatial information, amino acid conservation, physicochemical variation, residue mobility, and thermodynamic stability) performed at Invitae indicates that this missense variant is not expected to disrupt PIK3CD protein function with a negative predictive value of 80%. In summary, the available evidence is currently insufficient to determine the role of this variant in disease. Therefore, it has been classified as a Variant of Uncertain Significance.